The following is an entry in ClinVar:

NM_001267550.2(TTN):c.89840G>A (p.Arg29947Gln)

Genes: TTN (titin; minus strand), TTN-AS1 (TTN antisense RNA 1; plus strand). Cytogenetic location: 2q31.2.
Variant type: single nucleotide variant.
Coding change: c.89840G>A on transcript NM_001267550.2 (MANE Select); coding-DNA position 89840, G replaced by A.
Protein change: p.Arg29947Gln; replaces arginine 29947 with glutamine.
Molecular consequence: missense variant.
Genome position (GRCh38, 1-based): chr2:178,553,060, C>T on the plus strand (G>A on the coding strand, the complement: TTN is on the minus strand). VCF-style: chr2-178553060-C-T. GRCh37 (hg19) VCF-style: chr2-179417787-C-T.
Other names: c.62645G>A, p.Arg20882Gln (NM_003319.4); c.82136G>A, p.Arg27379Gln (NM_133378.4); c.63020G>A, p.Arg21007Gln (NM_133432.3); c.63221G>A, p.Arg21074Gln (NM_133437.4); c.84917G>A, p.Arg28306Gln (NM_001256850.1); short protein forms R20882Q, R21007Q, R21074Q, R27379Q, R28306Q, R29947Q.
Identifiers: ClinVar variation 1186964 (VCV001186964.3), dbSNP rs762912526, ClinGen allele CA1987861.
Genomic context (GRCh38, chr2:178,553,060, plus strand): 5'-TTAATTATTGGAGATCCTCCATCAATGAGAGGAGGATCCCAGAGCAAAGTGACTGTGCCT[C>T]GAGAAACATGTTTAACCTGTAGTTTCTGGCAGGCAGCTGGTGTGTCAAGCACTTTAACAC-3'
Protein context (NP_001254479.2, residues 29937-29957): CQKLQVKHVS[Arg29947Gln]GTVTLLWDPP

ClinVar aggregate classification (germline): Conflicting classifications of pathogenicity. Review status: criteria provided, conflicting classifications (1 of 4 stars). 2 submissions from 2 submitters: Uncertain significance (1); Likely benign (1). Last evaluated 2025-09-26.

Conditions:
TTN-related disorder. Also called: TTN-related disorders; TTN-related condition; TTN-related disease.

Allele frequency attached by ClinVar (database versions not stated): gnomAD 0.00002; gnomAD exomes 0.00002; TOPMed 0.00002; ExAC 0.00003.
gnomAD v4.1: 24 of 1,612,370 alleles (0.0015%); highest among the groups gnomAD compares: Non-Finnish European, 0.0019%; no homozygotes.

Submissions (2):

PreventionGenetics, part of Exact Sciences
Classification: Uncertain significance for TTN-related condition. Last evaluated: 2025-09-26. Review status: criteria provided, single submitter. Criteria: ACMG Guidelines, 2015. Collection method: clinical testing. Allele origin: germline.
Comment: The TTN c.89840G>A variant is predicted to result in the amino acid substitution p.Arg29947Gln. To our knowledge, this variant has not been reported in the literature. This variant is reported in 0.0054% of alleles in individuals of European (Non-Finnish) descent in gnomAD. At this time, the clinical significance of this variant is uncertain due to the absence of conclusive functional and genetic evidence.

GeneDx
Classification: Likely benign. Last evaluated: 2019-04-30. Review status: criteria provided, single submitter. Criteria: GeneDx Variant Classification Process June 2021. Collection method: clinical testing. Allele origin: germline. Affected: yes.